The following is an entry in ClinVar:

NM_004415.4(DSP):c.3146C>T (p.Ser1049Leu)

Gene: DSP (desmoplakin; plus strand). Cytogenetic location: 6p24.3.
Variant type: single nucleotide variant.
Coding change: c.3146C>T on transcript NM_004415.4 (MANE Select); coding-DNA position 3146, C replaced by T.
Protein change: p.Ser1049Leu; replaces serine 1049 with leucine.
Molecular consequence: missense variant.
Genome position (GRCh38, 1-based): chr6:7,579,336, C>T. VCF-style: chr6-7579336-C-T. GRCh37 (hg19) VCF-style: chr6-7579569-C-T.
Other names: c.3146C>T (LRG_423t1, NM_004415.3); c.3146C>T, p.Ser1049Leu (NM_001008844.3, NM_001319034.2); short protein forms S1049L.
Identifiers: ClinVar variation 357947 (VCV000357947.29), dbSNP rs751361395, ClinGen allele CA037298.

ClinVar aggregate classification (germline): Conflicting classifications of pathogenicity. Review status: criteria provided, conflicting classifications (1 of 4 stars). 11 submissions from 9 submitters: Uncertain significance (8); Likely benign (3). Last evaluated 2025-12-29.

Conditions:
Cardiomyopathy, dilated, with wooly hair, keratoderma, and tooth agenesis. Also called: Erythrokeratodermia-cardiomyopathy syndrome; Cardiomyopathy, dilated, with woolly hair, keratoderma, and tooth agenesis. Identifiers: Orphanet 476096, Orphanet 65282, MedGen C4014393, MONDO:0014355, OMIM 615821.
Keratosis palmoplantaris striata 2. Also called: KERATODERMA, PALMOPLANTAR, STRIATE FORM II; STRIATE PALMOPLANTAR KERATODERMA II; Keratosis palmoplantaris striata II. Identifiers: MedGen C1852127, MONDO:0013034, OMIM 612908.
Arrhythmogenic right ventricular dysplasia 8 (ARVD8). Also called: ARRHYTHMOGENIC RIGHT VENTRICULAR CARDIOMYOPATHY 8; ARRHYTHMOGENIC RIGHT VENTRICULAR DYSPLASIA, FAMILIAL, 8; Arrhythmogenic Right Ventricular Dysplasia/Cardiomyopathy 8. Identifiers: MedGen C1843896, MONDO:0011831, OMIM 607450.
Woolly hair-skin fragility syndrome (WHSF). Identifiers: Orphanet 293165, MedGen C1843292, MONDO:0957307, OMIM 620415.
Lethal acantholytic epidermolysis bullosa (EBLA). Identifiers: Orphanet 158687, MedGen C1864826, MONDO:0012323, OMIM 609638.
Arrhythmogenic cardiomyopathy with wooly hair and keratoderma. Also called: Carvajal syndrome; PALMOPLANTAR KERATODERMA WITH LEFT VENTRICULAR CARDIOMYOPATHY AND WOOLLY HAIR; Arrhythmogenic cardiomyopathy with woolly hair and keratoderma; Dilated cardiomyopathy with woolly hair and keratoderma. Identifiers: Orphanet 65282, MedGen C1854063, MONDO:0011581, OMIM 605676.
Cardiomyopathy (CMYO). Also called: Cardiomyopathies. Identifiers: Orphanet 167848, MedGen C0878544, MONDO:0004994, HP:0001638. Inheritance: Various modes of inheritance.
DSP-related disorder. Also called: DSP-related disorders; DSP-related condition.
Cardiovascular phenotype. Identifiers: MedGen CN230736.

Allele frequency attached by ClinVar (database versions not stated): TOPMed 0.00005; gnomAD 0.00009 and 0.00010.
gnomAD v4.1: 189 of 1,614,010 alleles (0.012%); highest among the groups gnomAD compares: Middle Eastern, 0.049%; no homozygotes.

Submissions (11):

Labcorp Genetics (formerly Invitae), Labcorp
Classification: Likely benign for Arrhythmogenic cardiomyopathy with wooly hair and keratoderma; Arrhythmogenic right ventricular dysplasia 8. Last evaluated: 2025-12-29. Review status: criteria provided, single submitter. Criteria: Invitae Variant Classification Sherloc (09022015). Collection method: clinical testing. Allele origin: germline.

PreventionGenetics, part of Exact Sciences
Classification: Uncertain significance for DSP-related condition. Last evaluated: 2025-12-29. Review status: criteria provided, single submitter. Criteria: ACMG Guidelines, 2015. Collection method: clinical testing. Allele origin: germline.
Comment: The DSP c.3146C>T variant is predicted to result in the amino acid substitution p.Ser1049Leu. This variant has been reported in individuals with hypertrophic cardiomyopathy, dilated cardiomyopathy, or unexplained cardiac arrest; however, additional variants were also identified in these individuals (Table S3, Jääskeläinen et al. 2019. PubMed ID: 30775854; Liu et al. 2019. PubMed ID: 31770195; Grondin et al. 2022. PubMed ID: 35352813). This variant is reported in 0.044% of alleles in individuals of European (Finnish) descent in gnomAD. Although we suspect that this variant may be benign, at this time, the clinical significance of this variant is uncertain due to the absence of conclusive functional and genetic evidence.

Ambry Genetics
Classification: Uncertain significance for Cardiovascular phenotype. Last evaluated: 2025-07-02. Review status: criteria provided, single submitter. Criteria: Ambry Variant Classification Scheme 2023. Collection method: clinical testing. Allele origin: germline.
Comment: The p.S1049L variant (also known as c.3146C>T), located in coding exon 23 of the DSP gene, results from a C to T substitution at nucleotide position 3146. The serine at codon 1049 is replaced by leucine, an amino acid with dissimilar properties. This alteration has been reported in a hypertrophic cardiomyopathy (HCM) cohort; however, clinical details were limited (J&auml;&auml;skel&auml;inen P et al. ESC Heart Fail, 2019 Apr;6:436-445). Additionally, this alteration was detected in a case report of a fetus with severe tricuspid valve regurgitation, who developed dilated cardiomyopathy (DCM); however, additional alterations in other cardiac-related genes were identified (Liu L et al. Medicine (Baltimore), 2019 Nov;98:e17771). This amino acid position is well conserved in available vertebrate species. In addition, the in silico prediction for this alteration is inconclusive. Since supporting evidence is limited at this time, the clinical significance of this alteration remains unclear.

GeneDx
Classification: Uncertain significance. Last evaluated: 2024-09-23. Review status: criteria provided, single submitter. Criteria: GeneDx Variant Classification Process June 2021. Collection method: clinical testing. Allele origin: germline. Affected: yes.
Comment: Identified in a patient with dilated cardiomyopathy diagnosed on fetal echocardiogram; however, this patient also harbored other cardiogenetic variants (PMID: 31770195); Identified in an individual with unexplained cardiac arrest; however, additional clinical information was not provided (PMID: 35352813); In silico analysis indicates that this missense variant does not alter protein structure/function; This variant is associated with the following publications: (PMID: 35352813, 31770195, 30775854)

Color Diagnostics, LLC DBA Color Health
Classification: Likely benign for Cardiomyopathy. Last evaluated: 2024-03-19. Review status: criteria provided, single submitter. Criteria: ACMG Guidelines, 2015. Collection method: clinical testing. Allele origin: germline.

All of Us Research Program, National Institutes of Health
Classification: Uncertain significance for Arrhythmogenic cardiomyopathy with wooly hair and keratoderma. Last evaluated: 2023-12-13. Review status: criteria provided, single submitter. Criteria: ACMG Guidelines, 2015. Collection method: clinical testing. Allele origin: germline. Inheritance: Autosomal dominant inheritance. Observed: 14 variant alleles, 14 heterozygotes.
Comment: This missense variant replaces serine with leucine at codon 1049 of the DSP protein. Computational prediction suggests that this variant may not impact protein structure and function (internally defined REVEL score threshold <= 0.5, PMID: 27666373). To our knowledge, functional studies have not been reported for this variant. This variant has not been reported in individuals affected with cardiovascular disorders in the literature. This variant has been identified in 27/282260 chromosomes in the general population by the Genome Aggregation Database (gnomAD). The available evidence is insufficient to determine the role of this variant in disease conclusively. Therefore, this variant is classified as a Variant of Uncertain Significance.

This study involves interpretation of variants in research participants for the purpose of population health screening. Participant phenotype was not available at the time of variant classification. Additional details can be found in publication PMID: 35346344, PMCID: PMC8962531

Blueprint Genetics
Classification: Likely benign. Last evaluated: 2023-03-10. Review status: criteria provided, single submitter. Criteria: ACMG Guidelines, 2015. Collection method: clinical testing. Allele origin: germline.

Fulgent Genetics
Classification: Uncertain significance for Arrhythmogenic cardiomyopathy with wooly hair and keratoderma; Arrhythmogenic right ventricular dysplasia 8; Lethal acantholytic epidermolysis bullosa; Keratosis palmoplantaris striata 2; Cardiomyopathy, dilated, with wooly hair, keratoderma, and tooth agenesis. Last evaluated: 2021-07-29. Review status: criteria provided, single submitter. Criteria: ACMG Guidelines, 2015. Collection method: clinical testing. Allele origin: unknown.

Illumina Laboratory Services, Illumina
Classification: Uncertain significance for Lethal acantholytic epidermolysis bullosa. Last evaluated: 2018-01-13. Review status: criteria provided, single submitter. Criteria: ICSL Variant Classification Criteria 13 December 2019. Collection method: clinical testing. Allele origin: germline.

Illumina Laboratory Services, Illumina
Classification: Uncertain significance for Arrhythmogenic cardiomyopathy with wooly hair and keratoderma. Last evaluated: 2018-01-13. Review status: criteria provided, single submitter. Criteria: ICSL Variant Classification Criteria 13 December 2019. Collection method: clinical testing. Allele origin: germline.

Illumina Laboratory Services, Illumina
Classification: Uncertain significance for Arrhythmogenic right ventricular dysplasia 8. Last evaluated: 2018-01-13. Review status: criteria provided, single submitter. Criteria: ICSL Variant Classification Criteria 13 December 2019. Collection method: clinical testing. Allele origin: germline.

Literature cited by the submitters: PubMed 30775854 (cited by Ambry Genetics); PubMed 31770195 (cited by Ambry Genetics).